The following is an entry in ClinVar:

ClinVar aggregate classification (germline): Uncertain significance (1 of 4 stars; one submission).

Allele frequency attached by ClinVar (database versions not stated): ExAC 0.00001.
gnomAD v4.1: 4 of 1,612,326 alleles (0.00025%); highest among the groups gnomAD compares: Admixed American, 0.005%; no homozygotes.

Submission:

Labcorp Genetics (formerly Invitae), Labcorp
Classification: Uncertain significance. Last evaluated: 2024-04-05. Review status: criteria provided, single submitter. Criteria: Invitae Variant Classification Sherloc (09022015). Collection method: clinical testing. Allele origin: germline.
Comment: This sequence change disrupts the translational stop signal of the ENPP1 mRNA. It is expected to extend the length of the ENPP1 protein by 9 additional amino acid residues. This variant is present in population databases (rs748324842, gnomAD 0.006%). This variant has not been reported in the literature in individuals affected with ENPP1-related conditions. ClinVar contains an entry for this variant (Variation ID: 2108504). Algorithms developed to predict the effect of sequence changes on RNA splicing suggest that this variant may create or strengthen a splice site. In summary, the available evidence is currently insufficient to determine the role of this variant in disease. Therefore, it has been classified as a Variant of Uncertain Significance.

NM_006208.3(ENPP1):c.2778A>G (p.Ter926Trp)

Gene: ENPP1 (ectonucleotide pyrophosphatase/phosphodiesterase 1; plus strand). Cytogenetic location: 6q23.2.
Variant type: single nucleotide variant.
Coding change: c.2778A>G on transcript NM_006208.3 (MANE Select); coding-DNA position 2778, A replaced by G.
Protein change: p.Ter926Trp.
Molecular consequence: stop lost.
Genome position (GRCh38, 1-based): chr6:131,890,511, A>G. VCF-style: chr6-131890511-A-G. GRCh37 (hg19) VCF-style: chr6-132211651-A-G.
Identifiers: ClinVar variation 2108504 (VCV002108504.4), dbSNP rs748324842, ClinGen allele CA4002627.